The following is an entry in ClinVar:

NM_003073.5(SMARCB1):c.679G>A (p.Asp227Asn)

Gene: SMARCB1 (SWI/SNF related BAF chromatin remodeling complex subunit B1; plus strand). Cytogenetic location: 22q11.23.
Variant type: single nucleotide variant.
Coding change: c.679G>A on transcript NM_003073.5 (MANE Select); coding-DNA position 679, G replaced by A.
Protein change: p.Asp227Asn; replaces aspartic acid 227 with asparagine.
Molecular consequence: missense variant.
Genome position (GRCh38, 1-based): chr22:23,816,820, G>A. VCF-style: chr22-23816820-G-A. GRCh37 (hg19) VCF-style: chr22-24159007-G-A.
Other names: c.652G>A, p.Asp218Asn (NM_001007468.3); c.706G>A, p.Asp236Asn (NM_001317946.2); c.733G>A, p.Asp245Asn (NM_001362877.2); short protein forms D227N, D245N, D218N, D236N.
Identifiers: ClinVar variation 5029919 (VCV005029919.1).

ClinVar aggregate classification (germline): Uncertain significance (1 of 4 stars; one submission).

Conditions:
Hereditary cancer-predisposing syndrome. Also called: Neoplastic Syndromes, Hereditary; Tumor predisposition; Hereditary neoplastic syndrome; Hereditary Cancer Syndrome. Identifiers: Orphanet 140162, MedGen C0027672, MeSH D009386, MONDO:0015356.

Submission:

Ambry Genetics
Classification: Uncertain significance for Hereditary cancer-predisposing syndrome. Last evaluated: 2026-06-15. Review status: criteria provided, single submitter. Criteria: Ambry Variant Classification Scheme 2023. Collection method: clinical testing. Allele origin: germline.
Comment: The p.D227N variant (also known as c.679G>A), located in coding exon 6 of the SMARCB1 gene, results from a G to A substitution at nucleotide position 679. The aspartic acid at codon 227 is replaced by asparagine, an amino acid with highly similar properties. This amino acid position is conserved. In addition, this alteration is predicted to be tolerated by in silico analysis. Based on the available evidence, the clinical significance of this variant remains unclear.